The following is an entry in ClinVar:

ClinVar aggregate classification (germline): Uncertain significance. Review status: criteria provided, multiple submitters, no conflicts (2 of 4 stars). 2 submissions from 2 submitters: Uncertain significance (2). Last evaluated 2024-10-20.

Conditions:
Arrhythmogenic right ventricular dysplasia 8 (ARVD8). Also called: ARRHYTHMOGENIC RIGHT VENTRICULAR DYSPLASIA, FAMILIAL, 8; Arrhythmogenic Right Ventricular Dysplasia/Cardiomyopathy 8; ARRHYTHMOGENIC RIGHT VENTRICULAR CARDIOMYOPATHY 8. Identifiers: MedGen C1843896, MONDO:0011831, OMIM 607450.
Arrhythmogenic cardiomyopathy with wooly hair and keratoderma. Also called: Carvajal syndrome; PALMOPLANTAR KERATODERMA WITH LEFT VENTRICULAR CARDIOMYOPATHY AND WOOLLY HAIR; Dilated cardiomyopathy with woolly hair and keratoderma; Arrhythmogenic cardiomyopathy with woolly hair and keratoderma. Identifiers: Orphanet 65282, MedGen C1854063, MONDO:0011581, OMIM 605676.

Submissions (2):

Labcorp Genetics (formerly Invitae), Labcorp
Classification: Uncertain significance for Arrhythmogenic cardiomyopathy with wooly hair and keratoderma; Arrhythmogenic right ventricular dysplasia 8. Last evaluated: 2024-10-20. Review status: criteria provided, single submitter. Criteria: Invitae Variant Classification Sherloc (09022015). Collection method: clinical testing. Allele origin: germline.
Comment: This sequence change affects codon 422 of the DSP mRNA. It is a 'silent' change, meaning that it does not change the encoded amino acid sequence of the DSP protein. This variant also falls at the last nucleotide of exon 10, which is part of the consensus splice site for this exon. This variant is not present in population databases (gnomAD no frequency). This variant has not been reported in the literature in individuals affected with DSP-related conditions. Variants that disrupt the consensus splice site are a relatively common cause of aberrant splicing (PMID: 17576681, 9536098). Algorithms developed to predict the effect of sequence changes on RNA splicing suggest that this variant may disrupt the consensus splice site. In summary, the available evidence is currently insufficient to determine the role of this variant in disease. Therefore, it has been classified as a Variant of Uncertain Significance.

Women's Health and Genetics/Laboratory Corporation of America, LabCorp
Classification: Uncertain significance. Last evaluated: 2024-10-03. Review status: criteria provided, single submitter. Criteria: LabCorp Variant Classification Summary - May 2015. Collection method: clinical testing. Allele origin: germline.
Comment: Variant summary: DSP c.1266G>A (p.Glu422Glu) alters a conserved nucleotide located close to a canonical splice site and therefore could affect mRNA splicing, leading to a significantly altered protein sequence. Several computational tools predict a significant impact on normal splicing: Two predict the variant abolishes a 5' splicing donor site. However, these predictions have yet to be confirmed by functional studies. The variant was absent in 250572 control chromosomes. The available data on variant occurrences in the general population are insufficient to allow any conclusion about variant significance. To our knowledge, no occurrence of c.1266G>A in individuals affected with Arrhythmogenic Right Ventricular Dysplasia/Cardiomyopathy and no experimental evidence demonstrating its impact on protein function have been reported. No submitters have cited clinical-significance assessments for this variant to ClinVar. Based on the evidence outlined above, the variant was classified as uncertain significance.

Literature cited by the submitters: PubMed 17576681 (cited by Labcorp Genetics (formerly Invitae), Labcorp); PubMed 9536098 (cited by Labcorp Genetics (formerly Invitae), Labcorp).

NM_004415.4(DSP):c.1266G>A (p.Glu422=)

Gene: DSP (desmoplakin; plus strand). Cytogenetic location: 6p24.3.
Variant type: single nucleotide variant.
Coding change: c.1266G>A on transcript NM_004415.4 (MANE Select); coding-DNA position 1266, G replaced by A.
Protein change: p.Glu422=; no amino-acid change (glutamic acid 422 retained).
Molecular consequence: synonymous variant.
Genome position (GRCh38, 1-based): chr6:7,567,906, G>A. VCF-style: chr6-7567906-G-A. GRCh37 (hg19) VCF-style: chr6-7568139-G-A.
Other names: c.1266G>A, p.Glu422= (NM_001008844.3, NM_001319034.2, NM_001406591.1).
Identifiers: ClinVar variation 3384959 (VCV003384959.3).